The following is an entry in ClinVar:

NM_000548.5(TSC2):c.4925G>A (p.Gly1642Asp)

Gene: TSC2 (TSC complex subunit 2; plus strand). Cytogenetic location: 16p13.3.
Variant type: single nucleotide variant.
Coding change: c.4925G>A on transcript NM_000548.5 (MANE Select); coding-DNA position 4925, G replaced by A.
Protein change: p.Gly1642Asp; replaces glycine 1642 with aspartic acid.
Molecular consequence: missense variant.
Genome position (GRCh38, 1-based): chr16:2,086,807, G>A. VCF-style: chr16-2086807-G-A. GRCh37 (hg19) VCF-style: chr16-2136808-G-A.
Other names: c.4796G>A, p.Gly1599Asp (NM_001370405.1, NM_021055.3); c.4724G>A, p.Gly1575Asp (NM_001077183.3); c.4856G>A, p.Gly1619Asp (NM_001114382.3); c.4616G>A, p.Gly1539Asp (NM_001318827.2); c.4580G>A, p.Gly1527Asp (NM_001318829.2); c.4193G>A, p.Gly1398Asp (NM_001318831.2); c.4757G>A, p.Gly1586Asp (NM_001318832.2); c.4727G>A, p.Gly1576Asp (NM_001363528.2); and 1 more; short protein forms G1642D, G1599D, G1527D, G1576D, G1586D, G1619D, G1575D, G1598D.
Identifiers: ClinVar variation 49978 (VCV000049978.14), dbSNP rs137854343, ClinGen allele CA021290.

ClinVar aggregate classification (germline): Pathogenic. Review status: criteria provided, multiple submitters, no conflicts (2 of 4 stars). 5 submissions from 5 submitters: Pathogenic (4). 1 of the submissions does not count toward it. Last evaluated 2024-05-08.

Conditions:
Tuberous sclerosis syndrome (TSC). Also called: Tuberous Sclerosis Complex; Tuberous sclerosis. Identifiers: Orphanet 805, MedGen C0041341, MONDO:0001734.
Tuberous sclerosis 2 (TSC2). Identifiers: Orphanet 805, MedGen C1860707, MONDO:0013199, OMIM 613254.
Hereditary cancer-predisposing syndrome. Also called: Hereditary neoplastic syndrome; Neoplastic Syndromes, Hereditary; Hereditary Cancer Syndrome; Tumor predisposition. Identifiers: Orphanet 140162, MedGen C0027672, MeSH D009386, MONDO:0015356.

Submissions (5):

Quest Diagnostics Nichols Institute San Juan Capistrano
Classification: Pathogenic. Last evaluated: 2024-05-08. Review status: criteria provided, single submitter. Criteria: Quest Diagnostics criteria. Collection method: clinical testing. Allele origin: unknown.
Comment: The TSC2 c.4925G>A (p.Gly1642Asp) variant has been reported in the published literature in multiple tuberous sclerosis patients (PMID: 30024541 (2018), PMID: 32555378 (2020)), including those with features such as infantile spasms (PMID: 22867869 (2013)), focal epilepsy (PMID: 34489640 (2021)), cortical tubers, confetti skin lesions, and cardiac rhabdomyomas (PMID: 28087349 (2017)). This variant has not been reported in large, multi-ethnic general populations (Genome Aggregation Database). Based on the available information, this variant is classified as pathogenic.

Labcorp Genetics (formerly Invitae), Labcorp
Classification: Pathogenic for Tuberous sclerosis 2. Last evaluated: 2022-10-13. Review status: criteria provided, single submitter. Criteria: Invitae Variant Classification Sherloc (09022015). Collection method: clinical testing. Allele origin: germline.
Comment: This missense change has been observed in individual(s) with tuberous sclerosis complex (PMID: 22867869, 28087349, 30024541, 34489640; Invitae). In at least one individual the variant was observed to be de novo. For these reasons, this variant has been classified as Pathogenic. Experimental studies have shown that this missense change affects TSC2 function (PMID: 21309039). Advanced modeling of protein sequence and biophysical properties (such as structural, functional, and spatial information, amino acid conservation, physicochemical variation, residue mobility, and thermodynamic stability) performed at Invitae indicates that this missense variant is expected to disrupt TSC2 protein function. ClinVar contains an entry for this variant (Variation ID: 49978). This variant is also known as G1619D. This variant is not present in population databases (gnomAD no frequency). This sequence change replaces glycine, which is neutral and non-polar, with aspartic acid, which is acidic and polar, at codon 1642 of the TSC2 protein (p.Gly1642Asp).

Ambry Genetics
Classification: Pathogenic for Hereditary cancer-predisposing syndrome. Last evaluated: 2019-12-20. Review status: criteria provided, single submitter. Criteria: Ambry Variant Classification Scheme 2023. Collection method: clinical testing. Allele origin: germline.
Comment: The p.G1642D pathogenic mutation (also known as c.4925G>A), located in coding exon 37 of the TSC2 gene, results from a G to A substitution at nucleotide position 4925. The glycine at codon 1642 is replaced by aspartic acid, an amino acid with similar properties. This alteration has been identified in individuals with a clinical diagnosis of tuberous sclerosis (Gao S et al. Medicine (Baltimore), 2018 Jul;97:e11533; Ismail NF et al. J Mol Diagn, 2017 03;19:265-276; van Eeghen AM et al. Epilepsy Res., 2013 Jan;103:83-7; Ambry internal data). A functional analysis of this alteration using a transfection-based immunoblot assay indicated the T389/S6K ratio was significantly higher compared to wildtype TSC1-TSC2, and was therefore interpreted as pathogenic. This variant was not reported in population-based cohorts in the Genome Aggregation Database (gnomAD) (Lek M et al. Nature, 2016 08;536:285-91). This amino acid position is highly conserved in available vertebrate species. In addition, this alteration is predicted to be deleterious by in silico analysis. As such, this alteration is interpreted as a disease-causing mutation.

Juno Genomics, Hangzhou Juno Genomics, Inc
Classification: Pathogenic for Tuberous sclerosis 2. Review status: criteria provided, single submitter. Criteria: ACMG Guidelines, 2015. Collection method: clinical testing. Allele origin: germline. Affected: yes.
Comment: Absent from controls (or at extremely low frequency if recessive) in Genome Aggregation Database.;Well-established in vitro or in vivo functional studies supportive of a damaging effect on the gene or gene product.;The prevalence of the variant in affected individuals is significantly increased compared to the prevalence in controls.;Patient's phenotype or family history is highly specific for a disease with a single genetic etiology.;Assumed de novo, but without confirmation of paternity and maternity.

Tuberous sclerosis database (TSC2)
No classification provided. Condition: TSC. Review status: no classification provided. Criteria: Tuberous Sclerosis Database Assertion Criteria 2015. Collection method: curation. Allele origin: germline. Affected: yes. Not counted in ClinVar's aggregate classification.

Literature cited by the submitters: PubMed 21309039 (cited by 3 submitters); PubMed 31927531 (cited by Quest Diagnostics Nichols Institute San Juan Capistrano); PubMed 28087349 (cited by 3 submitters); PubMed 32555378 (cited by Quest Diagnostics Nichols Institute San Juan Capistrano); PubMed 34489640 (cited by Quest Diagnostics Nichols Institute San Juan Capistrano and Labcorp Genetics (formerly Invitae), Labcorp); PubMed 30024541 (cited by 3 submitters); PubMed 32502382 (cited by Quest Diagnostics Nichols Institute San Juan Capistrano); PubMed 22867869 (cited by 3 submitters).